The following is an entry in ClinVar:

NM_018129.4(PNPO):c.605A>G (p.Lys202Arg)

Gene: PNPO (pyridoxamine 5'-phosphate oxidase; plus strand). Cytogenetic location: 17q21.32.
Variant type: single nucleotide variant.
Coding change: c.605A>G on transcript NM_018129.4 (MANE Select); coding-DNA position 605, A replaced by G.
Protein change: p.Lys202Arg; replaces lysine 202 with arginine.
Molecular consequence: missense variant.
Genome position (GRCh38, 1-based): chr17:47,946,381, A>G. VCF-style: chr17-47946381-A-G. GRCh37 (hg19) VCF-style: chr17-46023747-A-G.
Other names: short protein forms K202R.
Identifiers: ClinVar variation 1510333 (VCV001510333.5), dbSNP rs746525939, ClinGen allele CA8629245.
Genomic context (GRCh38, chr17:47,946,381, plus strand): 5'-AGTATCTGAGAAAGAAAAATGAGGAACTGGAACAGCTCTACCAGGATCAAGAGGTGCCCA[A>G]GCCAAAATCCTGGTGAGTGACATCTGGTAGTCCTCTAGAAAGGGACACCAGGCCCCTGTG-3'
Protein context (NP_060599.1, residues 192-212): EQLYQDQEVP[Lys202Arg]PKSWGGYVLY

ClinVar aggregate classification (germline): Uncertain significance (1 of 4 stars; one submission).

Conditions:
Pyridoxal phosphate-responsive seizures (PNPOD). Also called: EPILEPTIC ENCEPHALOPATHY, NEONATAL, PNPO-RELATED; SEIZURES, PYRIDOXINE-RESISTANT, PLP-SENSITIVE; Pyridoxamine 5-Prime-Phosphate Oxidase Deficiency; Pyridoxine-5'-phosphate oxidase deficiency; Pyridoxal 5'-Phosphate (PLP)-Dependent Epilepsy. Identifiers: Orphanet 79096, MedGen C1864723, MONDO:0012407, OMIM 610090. Disease mechanism: loss of function.

Allele frequency attached by ClinVar (database versions not stated): gnomAD exomes below 0.00001 and 0.00001; TOPMed below 0.00001; ExAC 0.00002.

Submission:

Labcorp Genetics (formerly Invitae), Labcorp
Classification: Uncertain significance for Pyridoxal phosphate-responsive seizures. Last evaluated: 2022-10-13. Review status: criteria provided, single submitter. Criteria: Invitae Variant Classification Sherloc (09022015). Collection method: clinical testing. Allele origin: germline.
Comment: This sequence change replaces lysine, which is basic and polar, with arginine, which is basic and polar, at codon 202 of the PNPO protein (p.Lys202Arg). This variant is present in population databases (rs746525939, gnomAD 0.002%). This variant has not been reported in the literature in individuals affected with PNPO-related conditions. ClinVar contains an entry for this variant (Variation ID: 1510333). Advanced modeling of protein sequence and biophysical properties (such as structural, functional, and spatial information, amino acid conservation, physicochemical variation, residue mobility, and thermodynamic stability) performed at Invitae indicates that this missense variant is not expected to disrupt PNPO protein function. In summary, the available evidence is currently insufficient to determine the role of this variant in disease. Therefore, it has been classified as a Variant of Uncertain Significance.